The following is an entry in ClinVar:

ClinVar aggregate classification (germline): Likely pathogenic. Review status: criteria provided, single submitter (1 of 4 stars). 2 submissions from 2 submitters: Likely pathogenic (1). 1 of the submissions does not count toward it. Last evaluated 2022-10-21.

Conditions:
SCN1A-related disorder. Also called: SCN1A-related conditions; SCN1A-related condition; SCN1A-related disorders.
Early-infantile DEE. Also called: Early infantile epileptic encephalopathy; Ohtahara syndrome; Early infantile epileptic encephalopathy with suppression bursts. Identifiers: Orphanet 1934, MedGen C0393706, MONDO:0800491.

Submissions (2):

Labcorp Genetics (formerly Invitae), Labcorp
Classification: Likely pathogenic for Early-infantile DEE. Last evaluated: 2022-10-21. Review status: criteria provided, single submitter. Criteria: Invitae Variant Classification Sherloc (09022015). Collection method: clinical testing. Allele origin: germline.
Comment: This sequence change replaces serine, which is neutral and polar, with isoleucine, which is neutral and non-polar, at codon 1231 of the SCN1A protein (p.Ser1231Ile). In summary, the currently available evidence indicates that the variant is pathogenic, but additional data are needed to prove that conclusively. Therefore, this variant has been classified as Likely Pathogenic. This variant disrupts the p.S1231 amino acid residue in SCN1A. Other variant(s) that disrupt this residue have been determined to be pathogenic (PMID: 16458823). This suggests that this residue is clinically significant, and that variants that disrupt this residue are likely to be disease-causing. Advanced modeling of protein sequence and biophysical properties (such as structural, functional, and spatial information, amino acid conservation, physicochemical variation, residue mobility, and thermodynamic stability) performed at Invitae indicates that this missense variant is expected to disrupt SCN1A protein function. This variant has not been reported in the literature in individuals affected with SCN1A-related conditions. This variant is not present in population databases (gnomAD no frequency).

PreventionGenetics, part of Exact Sciences
Classification: Likely pathogenic for SCN1A-related condition. Last evaluated: 2023-10-23. Review status: no assertion criteria provided. Collection method: clinical testing. Allele origin: germline. Not counted in ClinVar's aggregate classification.
Comment: The SCN1A c.3692G>T variant is predicted to result in the amino acid substitution p.Ser1231Ile. To our knowledge, this exact variant has not been reported in any affected individuals in the literature, or in a large population database, indicating this variant is rare. Two alternate missense changes at the same amino acid position have been reported as de novo findings in patients with autosomal dominant SCN1A-related disorders (p.Ser1231Thr; p.Ser1231Arg; Kearney et al. 2006. PubMed ID: 16458823; Fujiwara et al. 2003. PubMed ID: 12566275). This variant is interpreted as likely pathogenic.

Literature cited by the submitters: PubMed 16458823 (cited by Labcorp Genetics (formerly Invitae), Labcorp).

NM_001165963.4(SCN1A):c.3692G>T (p.Ser1231Ile)

Genes: SCN1A (sodium voltage-gated channel alpha subunit 1; minus strand), LOC102724058 (uncharacterized LOC102724058; plus strand). Cytogenetic location: 2q24.3.
Variant type: single nucleotide variant.
Coding change: c.3692G>T on transcript NM_001165963.4 (MANE Select); coding-DNA position 3692, G replaced by T.
Protein change: p.Ser1231Ile; replaces serine 1231 with isoleucine.
Molecular consequence: missense variant. On other transcripts: non-coding transcript variant (1).
Genome position (GRCh38, 1-based): chr2:166,013,757, C>A on the plus strand (G>T on the coding strand, the complement: SCN1A is on the minus strand). VCF-style: chr2-166013757-C-A. GRCh37 (hg19) VCF-style: chr2-166870267-C-A.
Other names: c.3692G>T, p.Ser1231Ile (NM_001202435.3, NM_001353948.2); c.3659G>T, p.Ser1220Ile (NM_001353949.2, NM_001353950.2, NM_001353951.2 and 2 more transcripts); c.3656G>T, p.Ser1219Ile (NM_001353954.2, NM_001353955.2); c.3608G>T, p.Ser1203Ile (NM_001353957.2, NM_001165964.3, NM_001353958.2); c.3692G>T (NM_001202435.1); c.3605G>T, p.Ser1202Ile (NM_001353960.2); c.1250G>T, p.Ser417Ile (NM_001353961.2); short protein forms S1202I, S1220I, S1231I, S1203I, S1219I, S417I.
Identifiers: ClinVar variation 2034846 (VCV002034846.6), dbSNP rs121918800, ClinGen allele CA349055685.
Genomic context (GRCh38, chr2:166,013,757, plus strand): 5'-GTGTTCTAAAAATTAGTGCTGTATCACCTTTTCTTAATCTCACTCACCAGAGCACCACTA[C>A]TAAGGAGAATCATGAAAACAATGAAGGTCTCAAACCAGTTATGTTCAACTATTCGGAAAC-3'
Protein context (NP_001159435.1, residues 1221-1241): ETFIVFMILL[Ser1231Ile]SGALAFEDIY